The following is an entry in ClinVar:

NM_001330.5(CTF1):c.544C>A (p.Arg182Ser)

Genes: CTF1 (cardiotrophin 1; plus strand), LOC130058878 (ATAC-STARR-seq lymphoblastoid silent region 7400; plus strand). Cytogenetic location: 16p11.2.
Variant type: single nucleotide variant.
Coding change: c.544C>A on transcript NM_001330.5 (MANE Select); coding-DNA position 544, C replaced by A.
Protein change: p.Arg182Ser; replaces arginine 182 with serine.
Molecular consequence: missense variant. On other transcripts: non-coding transcript variant (1).
Genome position (GRCh38, 1-based): chr16:30,902,477, C>A. VCF-style: chr16-30902477-C-A. GRCh37 (hg19) VCF-style: chr16-30913798-C-A.
Other names: c.541C>A, p.Arg181Ser (NM_001142544.3); short protein forms R182S, R181S.
Identifiers: ClinVar variation 2824455 (VCV002824455.3), dbSNP rs2055413043, ClinGen allele CA395619662.

ClinVar aggregate classification (germline): Uncertain significance (1 of 4 stars; one submission).

Submission:

Labcorp Genetics (formerly Invitae), Labcorp
Classification: Uncertain significance. Last evaluated: 2023-03-15. Review status: criteria provided, single submitter. Criteria: Invitae Variant Classification Sherloc (09022015). Collection method: clinical testing. Allele origin: germline.
Comment: In summary, the available evidence is currently insufficient to determine the role of this variant in disease. Therefore, it has been classified as a Variant of Uncertain Significance. An algorithm developed to predict the effect of missense changes on protein structure and function (PolyPhen-2) suggests that this variant is likely to be disruptive. This variant has not been reported in the literature in individuals affected with CTF1-related conditions. This variant is not present in population databases (gnomAD no frequency). This sequence change replaces arginine, which is basic and polar, with serine, which is neutral and polar, at codon 182 of the CTF1 protein (p.Arg182Ser).